The following is an entry in ClinVar:

NM_001903.5(CTNNA1):c.1337G>C (p.Gly446Ala)

Gene: CTNNA1 (catenin alpha 1; plus strand). Cytogenetic location: 5q31.2.
Variant type: single nucleotide variant.
Coding change: c.1337G>C on transcript NM_001903.5 (MANE Select); coding-DNA position 1337, G replaced by C.
Protein change: p.Gly446Ala; replaces glycine 446 with alanine.
Molecular consequence: missense variant. On other transcripts: intron variant (3), 5 prime UTR variant (6).
Genome position (GRCh38, 1-based): chr5:138,904,389, G>C. VCF-style: chr5-138904389-G-C. GRCh37 (hg19) VCF-style: chr5-138240078-G-C.
Other names: c.-60-13353G>C (NM_001324010.1); c.1337G>C, p.Gly446Ala (NM_001290307.3, NM_001323982.2, NM_001323983.1 and 2 more transcripts); c.1028G>C, p.Gly343Ala (NM_001290309.3); c.968G>C, p.Gly323Ala (NM_001290310.3); c.227G>C, p.Gly76Ala (NM_001290312.1, NM_001323987.1, NM_001323988.1 and 17 more transcripts); c.-171G>C (NM_001324006.1, NM_001324007.1, NM_001324008.1 and 1 more transcripts); c.-17G>C (NM_001324012.1, NM_001324013.1); c.1297-13353G>C (NM_001323986.2); and 1 more; short protein forms G323A, G343A, G446A, G76A.
Identifiers: ClinVar variation 1770272 (VCV001770272.2), dbSNP rs1758716428, ClinGen allele CA361135949.
Genomic context (GRCh38, chr5:138,904,389, plus strand): 5'-ATTATTTTTTATGTTTATAGGTTGCCAACTTGGCCTGTTCCATCTCAAATAATGAAGAAG[G>C]TGTAAAGCTTGTTCGAATGTCTGCAAGCCAGTTAGAAGCCCTCTGTCCTCAGGTAAAGTA-3'
Protein context (NP_001894.2, residues 436-456): LACSISNNEE[Gly446Ala]VKLVRMSASQ

ClinVar aggregate classification (germline): Uncertain significance (1 of 4 stars; one submission).

Conditions:
Hereditary cancer-predisposing syndrome. Also called: Hereditary Cancer Syndrome; Hereditary neoplastic syndrome; Neoplastic Syndromes, Hereditary; Tumor predisposition. Identifiers: Orphanet 140162, MedGen C0027672, MeSH D009386, MONDO:0015356.

Submission:

Ambry Genetics
Classification: Uncertain significance for Hereditary cancer-predisposing syndrome. Last evaluated: 2022-03-01. Review status: criteria provided, single submitter. Criteria: Ambry Variant Classification Scheme 2023. Collection method: clinical testing. Allele origin: germline.
Comment: The p.G446A variant (also known as c.1337G>C), located in coding exon 9 of the CTNNA1 gene, results from a G to C substitution at nucleotide position 1337. The glycine at codon 446 is replaced by alanine, an amino acid with similar properties. This amino acid position is conserved. In addition, the in silico prediction for this alteration is inconclusive. Since supporting evidence is limited at this time, the clinical significance of this alteration remains unclear.